The following is an entry in ClinVar:

NM_000038.6(APC):c.4126T>A (p.Tyr1376Asn)

Gene: APC (APC regulator of Wnt signaling pathway; plus strand). Cytogenetic location: 5q22.2.
Variant type: single nucleotide variant.
Coding change: c.4126T>A on transcript NM_000038.6 (MANE Select); coding-DNA position 4126, T replaced by A.
Protein change: p.Tyr1376Asn; replaces tyrosine 1376 with asparagine.
Molecular consequence: missense variant. On other transcripts: non-coding transcript variant (2).
Genome position (GRCh38, 1-based): chr5:112,839,720, T>A. VCF-style: chr5-112839720-T-A. GRCh37 (hg19) VCF-style: chr5-112175417-T-A.
Other names: c.4126T>A, p.Tyr1376Asn (NM_001127510.3, NM_001354895.2, NM_001407450.1); c.4072T>A, p.Tyr1358Asn (NM_001127511.3); c.4180T>A, p.Tyr1394Asn (NM_001354896.2, NM_001407447.1, NM_001407448.1 and 1 more transcripts); c.4156T>A, p.Tyr1386Asn (NM_001354897.2); c.4051T>A, p.Tyr1351Asn (NM_001354898.2); c.4042T>A, p.Tyr1348Asn (NM_001354899.2); c.4003T>A, p.Tyr1335Asn (NM_001354900.2); c.3949T>A, p.Tyr1317Asn (NM_001354901.2, NM_001407453.1); and 11 more; short protein forms Y1093N, Y1285N, Y1293N, Y1317N, Y1351N, Y1366N, Y992N, Y1275N.
Identifiers: ClinVar variation 3928300 (VCV003928300.1).

ClinVar aggregate classification (germline): Uncertain significance (1 of 4 stars; one submission).

Conditions:
Hereditary cancer-predisposing syndrome. Also called: Hereditary Cancer Syndrome; Hereditary neoplastic syndrome; Neoplastic Syndromes, Hereditary; Tumor predisposition. Identifiers: Orphanet 140162, MedGen C0027672, MeSH D009386, MONDO:0015356.

Submission:

Ambry Genetics
Classification: Uncertain significance for Hereditary cancer-predisposing syndrome. Last evaluated: 2025-03-28. Review status: criteria provided, single submitter. Criteria: Ambry Variant Classification Scheme 2023. Collection method: clinical testing. Allele origin: germline.
Comment: The p.Y1376N variant (also known as c.4126T>A), located in coding exon 15 of the APC gene, results from a T to A substitution at nucleotide position 4126. The tyrosine at codon 1376 is replaced by asparagine, an amino acid with dissimilar properties. This amino acid position is conserved. In addition, in silico predictors for this gene do not accurately predict pathogenicity. Based on the available evidence, the clinical significance of this variant remains unclear.